The following is an entry in ClinVar:

ClinVar aggregate classification (germline): Likely pathogenic. Review status: criteria provided, multiple submitters, no conflicts (2 of 4 stars). 2 submissions from 2 submitters: Likely pathogenic (2). Last evaluated 2026-01-23.

Conditions:
Spinocerebellar ataxia type 40. Identifiers: Orphanet 423275, MedGen C4518336, MONDO:0014475, OMIM 616053.
Hydrocephalus, nonsyndromic, autosomal recessive 1 (HYC1). Also called: Congenital hydrocephalus 1; Hydrocephalus, nonsyndromic, autosomal recessive. Identifiers: Orphanet 2185, MedGen C3887608, MONDO:0009360, OMIM 236600.

gnomAD v4.1: 5 of 1,596,708 alleles (0.00031%); highest among the groups gnomAD compares: African/African-American, 0.0067%; no homozygotes.

Submissions (2):

Labcorp Genetics (formerly Invitae), Labcorp
Classification: Likely pathogenic. Last evaluated: 2026-01-23. Review status: criteria provided, single submitter. Criteria: Invitae Variant Classification Sherloc (09022015). Collection method: clinical testing. Allele origin: germline.
Comment: This sequence change affects an acceptor splice site in intron 19 of the CCDC88C gene. It is expected to disrupt RNA splicing. Variants that disrupt the donor or acceptor splice site typically lead to a loss of protein function (PMID: 16199547), and loss-of-function variants in CCDC88C are known to be pathogenic (PMID: 23042809, 29225145). This variant is present in population databases (no rsID available, gnomAD 0.008%). This variant has not been reported in the literature in individuals affected with CCDC88C-related conditions. ClinVar contains an entry for this variant (Variation ID: 3576890). Algorithms developed to predict the effect of sequence changes on RNA splicing suggest that this variant may disrupt the consensus splice site. In summary, the currently available evidence indicates that the variant is pathogenic, but additional data are needed to prove that conclusively. Therefore, this variant has been classified as Likely Pathogenic.

Fulgent Genetics
Classification: Likely pathogenic for Hydrocephalus, nonsyndromic, autosomal recessive 1; Spinocerebellar ataxia type 40. Last evaluated: 2024-05-23. Review status: criteria provided, single submitter. Criteria: ACMG Guidelines, 2015. Collection method: clinical testing. Allele origin: germline.

Literature cited by the submitters: PubMed 16199547 (cited by Labcorp Genetics (formerly Invitae), Labcorp); PubMed 23042809 (cited by Labcorp Genetics (formerly Invitae), Labcorp); PubMed 29225145 (cited by Labcorp Genetics (formerly Invitae), Labcorp).

NM_001080414.4(CCDC88C):c.3358-2A>C

Gene: CCDC88C (coiled-coil and HOOK domain protein 88C; minus strand). Cytogenetic location: 14q32.11.
Variant type: single nucleotide variant.
Coding change: c.3358-2A>C on transcript NM_001080414.4 (MANE Select); the canonical splice acceptor site of the intron before coding-DNA position 3358, A replaced by C.
Molecular consequence: splice acceptor variant.
Genome position (GRCh38, 1-based): chr14:91,303,980, T>G on the plus strand (A>C on the coding strand, the complement: CCDC88C is on the minus strand). VCF-style: chr14-91303980-T-G. GRCh37 (hg19) VCF-style: chr14-91770324-T-G.
Identifiers: ClinVar variation 3576890 (VCV003576890.3).
Genomic context (GRCh38, chr14:91,303,980, plus strand): 5'-AGCAGCGTGTACTGCGCGGTGAGCGCTGCGCTCTGGGAACTCAGCGTGGAGTTCTCCACC[T>G]GCCGAGAGGGAGAAGCGCGGCGTGGCGCAGGCCCCACAGTCAGCGAGGAGGGCTGGGGAG-3'